The following is an entry in ClinVar:

NM_004174.4(SLC9A3):c.721_723del (p.Asn241del)

Gene: SLC9A3 (solute carrier family 9 member A3). Cytogenetic location: 5p15.33.
Variant type: Deletion.
Coding change: c.721_723del on transcript NM_004174.4 (MANE Select); coding-DNA positions 721 to 723, 3 bases deleted.
Protein change: p.Asn241del; deletes asparagine 241.
Molecular consequence: inframe deletion.
Genome position: GRCh38 VCF-style: chr5-485183-CGTT-C. GRCh37 (hg19) VCF-style: chr5-485298-CGTT-C.
Other names: c.721_723del, p.Asn241del (NM_001284351.3); short protein forms N241del.
Identifiers: ClinVar variation 1392304 (VCV001392304.6), dbSNP rs747775303, ClinGen allele CA3176227.

ClinVar aggregate classification (germline): Uncertain significance (1 of 4 stars; one submission).

Submission:

Labcorp Genetics (formerly Invitae), Labcorp
Classification: Uncertain significance. Last evaluated: 2021-10-11. Review status: criteria provided, single submitter. Criteria: Invitae Variant Classification Sherloc (09022015). Collection method: clinical testing. Allele origin: germline.
Comment: In summary, the available evidence is currently insufficient to determine the role of this variant in disease. Therefore, it has been classified as a Variant of Uncertain Significance. Experimental studies and prediction algorithms are not available or were not evaluated, and the functional significance of this variant is currently unknown. This variant has not been reported in the literature in individuals affected with SLC9A3-related conditions. This variant is present in population databases (rs747775303, ExAC 0.002%). This variant, c.721_723del, results in the deletion of 1 amino acid(s) of the SLC9A3 protein (p.Asn241del), but otherwise preserves the integrity of the reading frame.